The following is an entry in ClinVar:

ClinVar aggregate classification (germline): Conflicting classifications of pathogenicity. Review status: criteria provided, conflicting classifications (1 of 4 stars). 5 submissions from 5 submitters: Uncertain significance (1); Likely benign (3). 1 of the submissions does not count toward it. Last evaluated 2026-03-27.

Conditions:
TTN-related disorder. Also called: TTN-related condition; TTN-related disease; TTN-related disorders.

Allele frequency attached by ClinVar (database versions not stated): gnomAD exomes 0.00013; ESP Exome Variant Server 0.00015; TOPMed 0.00015; gnomAD 0.00016 and 0.00017; ExAC 0.00017; 1000 Genomes Project 0.00020.

Submissions (5):

Molecular Diagnostic Laboratory for Inherited Cardiovascular Disease, Montreal Heart Institute
Classification: Likely benign. Last evaluated: 2026-03-27. Review status: criteria provided, single submitter. Criteria: ACMG Guidelines, 2015. Collection method: clinical testing. Allele origin: germline. Affected: no.

Blueprint Genetics
Classification: Likely benign. Last evaluated: 2024-08-05. Review status: criteria provided, single submitter. Criteria: ACMG Guidelines, 2015. Collection method: clinical testing. Allele origin: germline.

GeneDx
Classification: Likely benign. Last evaluated: 2019-07-11. Review status: criteria provided, single submitter. Criteria: GeneDx Variant Classification Process June 2021. Collection method: clinical testing. Allele origin: germline. Affected: yes.

Eurofins Ntd Llc (ga)
Classification: Uncertain significance. Last evaluated: 2017-12-29. Review status: criteria provided, single submitter. Criteria: EGL Classification Definitions 2015. Collection method: clinical testing. Allele origin: germline. Observed: 1 variant allele, 1 heterozygote.

PreventionGenetics, part of Exact Sciences
Classification: Uncertain significance for TTN-related condition. Last evaluated: 2024-03-07. Review status: no assertion criteria provided. Collection method: clinical testing. Allele origin: germline. Not counted in ClinVar's aggregate classification.
Comment: The TTN c.12524C>A variant is predicted to result in the amino acid substitution p.Ser4175Tyr. To our knowledge, this variant has not been reported in the literature. This variant is reported in 0.025% of alleles in individuals of European (Non-Finnish) descent in gnomAD. At this time, the clinical significance of this variant is uncertain due to the absence of conclusive functional and genetic evidence.

NM_133379.5(TTN):c.12524C>A (p.Ser4175Tyr)

Gene: TTN (titin; minus strand). Cytogenetic location: 2q31.2.
Variant type: single nucleotide variant.
Coding change: c.12524C>A on transcript NM_133379.5; coding-DNA position 12524, C replaced by A.
Protein change: p.Ser4175Tyr; replaces serine 4175 with tyrosine.
Molecular consequence: missense variant. On other transcripts: intron variant (6).
Genome position (GRCh38, 1-based): chr2:178,749,876, G>T on the plus strand (C>A on the coding strand, the complement: TTN is on the minus strand). VCF-style: chr2-178749876-G-T. GRCh37 (hg19) VCF-style: chr2-179614603-G-T.
Other names: p.S4175Y:TCC>TAC; c.10222+3248C>A (NM_003319.4); c.10798+3248C>A (NM_133437.4); c.10597+3248C>A (NM_133432.3); c.10360+3248C>A (NM_133378.4, NM_001256850.1); c.11311+3248C>A (NM_001267550.2); c.12524C>A (NM_133379.4); short protein forms S4175Y.
Identifiers: ClinVar variation 203194 (VCV000203194.22), dbSNP rs72647899, ClinGen allele CA311641.